The following is an entry in ClinVar:

ClinVar aggregate classification (germline): Likely pathogenic (1 of 4 stars; one submission).

Conditions:
Hereditary sensory and autonomic neuropathy type 6. Also called: HSAN VI; Neuropathy, hereditary sensory and autonomic, type VI. Identifiers: Orphanet 314381, MedGen C3539003, MONDO:0013839, OMIM 614653.
Epidermolysis bullosa simplex 3, localized or generalized intermediate, with BP230 deficiency (EBS3). Also called: Epidermolysis bullosa simplex, autosomal recessive 2; Epidermolysis bullosa simplex due to BP230 deficiency. Identifiers: Orphanet 412181, MedGen C3809470, MONDO:0014180, OMIM 615425.

Allele frequency attached by ClinVar (database versions not stated): 1000 Genomes Project 30x 0.00016; 1000 Genomes Project 0.00020.

Submission:

Labcorp Genetics (formerly Invitae), Labcorp
Classification: Likely pathogenic for Epidermolysis bullosa simplex 3, localized or generalized intermediate, with BP230 deficiency; Hereditary sensory and autonomic neuropathy type 6. Last evaluated: 2022-11-24. Review status: criteria provided, single submitter. Criteria: Invitae Variant Classification Sherloc (09022015). Collection method: clinical testing. Allele origin: germline.
Comment: In summary, the currently available evidence indicates that the variant is pathogenic, but additional data are needed to prove that conclusively. Therefore, this variant has been classified as Likely Pathogenic. Algorithms developed to predict the effect of sequence changes on RNA splicing suggest that this variant may disrupt the consensus splice site. ClinVar contains an entry for this variant (Variation ID: 1471389). This variant has not been reported in the literature in individuals affected with DST-related conditions. This variant is not present in population databases (gnomAD no frequency). This sequence change affects an acceptor splice site in intron 10 of the DST gene. It is expected to disrupt RNA splicing. Variants that disrupt the donor or acceptor splice site typically lead to a loss of protein function (PMID: 16199547), and loss-of-function variants in DST are known to be pathogenic (PMID: 22522446, 25059916, 30371979).

Literature cited by the submitters: PubMed 16199547; PubMed 22522446; PubMed 25059916; PubMed 30371979.

NM_001374736.1(DST):c.3187-2A>G

Gene: DST (dystonin; minus strand). Cytogenetic location: 6p12.1.
Variant type: single nucleotide variant.
Coding change: c.3187-2A>G on transcript NM_001374736.1 (MANE Select); the canonical splice acceptor site of the intron before coding-DNA position 3187, A replaced by G.
Molecular consequence: splice acceptor variant.
Genome position (GRCh38, 1-based): chr6:56,634,955, T>C on the plus strand (A>G on the coding strand, the complement: DST is on the minus strand). VCF-style: chr6-56634955-T-C. GRCh37 (hg19) VCF-style: chr6-56499753-T-C.
Other names: c.3088-2A>G (NM_001144769.5); c.3187-2A>G (NM_001374722.1); c.3214-2A>G (NM_001374734.1); c.2674-2A>G (NM_001144770.2); c.2554-2A>G (NM_001374730.1, NM_001386100.1, NM_183380.4 and 1 more transcripts); c.1576-2A>G (NM_015548.5, NM_001723.7).
Identifiers: ClinVar variation 1471389 (VCV001471389.8), dbSNP rs200803122, ClinGen allele CA139217689.